The following is an entry in ClinVar:

NM_024809.5(TCTN2):c.2065del (p.Trp689fs)

Gene: TCTN2 (tectonic family member 2; plus strand). Cytogenetic location: 12q24.31.
Variant type: Deletion.
Coding change: c.2065del on transcript NM_024809.5 (MANE Select); coding-DNA position 2065, one base deleted (T; older notation c.2065delT).
Protein change: p.Trp689fs; shifts the reading frame from tryptophan 689.
Molecular consequence: frameshift variant.
Genome position (GRCh38, 1-based): chr12:123,707,684, T deleted. VCF-style (leftmost placement, unchanged base first): chr12-123707683-CT-C. GRCh37 (hg19) VCF-style: chr12-124192230-CT-C.
Other names: c.2062del, p.Trp688fs (NM_001143850.3); c.1930del, p.Trp644fs (NM_001410989.1); short protein forms W644fs, W688fs, W689fs.
Identifiers: ClinVar variation 4785499 (VCV004785499.1).
Genomic context (GRCh38, chr12:123,707,683, plus strand): 5'-TGTTGCTAAGGGCTTACTGTTGCTGTTGTTCCTCACATTGGCCTTGTTCCTCAGCAACCC[CT>C]GGACCAGAATATGCAAAGCCTATAGTTAGACAACCACCTGGCTTTTATTTTTTTGAGATG-3'

ClinVar aggregate classification (germline): Uncertain significance (1 of 4 stars; one submission).

Conditions:
Meckel-Gruber syndrome. Also called: GRUBER SYNDROME; DYSENCEPHALIA SPLANCHNOCYSTICA; Dysencephalia splachnocystica. Identifiers: Orphanet 564, MedGen C0265215, MONDO:0018921.
Joubert syndrome. Also called: Familial aplasia of the vermis; JOUBERT-BOLTSHAUSER SYNDROME; CEREBELLOPARENCHYMAL DISORDER IV. Identifiers: Orphanet 475, MedGen C5979921, MONDO:0018772.

Submission:

Labcorp Genetics (formerly Invitae), Labcorp
Classification: Uncertain significance for Joubert syndrome; Meckel-Gruber syndrome. Last evaluated: 2025-07-07. Review status: criteria provided, single submitter. Criteria: Invitae Variant Classification Sherloc (09022015). Collection method: clinical testing. Allele origin: germline.
Comment: This sequence change is expected to alter the c-terminus of the TCTN2 protein (p.Trp689Glyfs*29). While this is not anticipated to result in nonsense mediated decay, it is expected to disrupt the last 9 amino acid(s) of the TCTN2 protein and extend the protein by 19 additional amino acid residues. This variant is not present in population databases (gnomAD no frequency). This variant has not been reported in the literature in individuals affected with TCTN2-related conditions. Experimental studies and prediction algorithms are not available or were not evaluated, and the functional significance of this variant is currently unknown. In summary, the available evidence is currently insufficient to determine the role of this variant in disease. Therefore, it has been classified as a Variant of Uncertain Significance.